The following is an entry in ClinVar:

NM_001105206.3(LAMA4):c.962T>C (p.Leu321Pro)

Gene: LAMA4 (laminin subunit alpha 4; minus strand). Cytogenetic location: 6q21.
Variant type: single nucleotide variant.
Coding change: c.962T>C on transcript NM_001105206.3 (MANE Select); coding-DNA position 962, T replaced by C.
Protein change: p.Leu321Pro; replaces leucine 321 with proline.
Molecular consequence: missense variant.
Genome position (GRCh38, 1-based): chr6:112,187,454, A>G on the plus strand (T>C on the coding strand, the complement: LAMA4 is on the minus strand). VCF-style: chr6-112187454-A-G. GRCh37 (hg19) VCF-style: chr6-112508656-A-G.
Other names: c.941T>C (LRG_433t2); c.941T>C, p.Leu314Pro (NM_001105207.3, NM_002290.5); short protein forms L314P, L321P.
Identifiers: ClinVar variation 452566 (VCV000452566.2), dbSNP rs1554347065, ClinGen allele CA365375840.

ClinVar aggregate classification (germline): Uncertain significance. Review status: criteria provided, multiple submitters, no conflicts (2 of 4 stars). 2 submissions from 2 submitters: Uncertain significance (2). Last evaluated 2018-06-22.

Conditions:
Dilated cardiomyopathy 1JJ (CMD1JJ). Identifiers: Orphanet 154, MedGen C3808935, MONDO:0014095, OMIM 615235.

Allele frequency attached by ClinVar (database versions not stated): gnomAD exomes below 0.00001.
gnomAD v4.1: 2 of 1,614,060 alleles (0.00012%); highest among the groups gnomAD compares: Non-Finnish European, 0.00017%; no homozygotes.

Submissions (2):

Labcorp Genetics (formerly Invitae), Labcorp
Classification: Uncertain significance for Dilated cardiomyopathy 1JJ. Last evaluated: 2018-06-22. Review status: criteria provided, single submitter. Criteria: Invitae Variant Classification Sherloc (09022015). Collection method: clinical testing. Allele origin: germline.
Comment: This sequence change replaces leucine with proline at codon 314 of the LAMA4 protein (p.Leu314Pro). The leucine residue is highly conserved and there is a moderate physicochemical difference between leucine and proline. This variant is not present in population databases (ExAC no frequency). This variant has not been reported in the literature in individuals with LAMA4-related disease. ClinVar contains an entry for this variant (Variation ID: 452566). Algorithms developed to predict the effect of missense changes on protein structure and function are either unavailable or do not agree on the potential impact of this missense change (SIFT: "Deleterious"; PolyPhen-2: "Probably Damaging"; Align-GVGD: "Class C0"). In summary, the available evidence is currently insufficient to determine the role of this variant in disease. Therefore, it has been classified as a Variant of Uncertain Significance.

GeneDx
Classification: Uncertain significance. Last evaluated: 2017-10-03. Review status: criteria provided, single submitter. Criteria: GeneDx Variant Classification (06012015). Collection method: clinical testing. Allele origin: germline. Affected: yes.
Comment: A variant of uncertain significance has been identified in the LAMA4 gene. The L314P variant has not been published as pathogenic or been reported as benign to our knowledge. This variant is not observed in large population cohorts (Lek et al., 2016). The L314P variant is a semi-conservative amino acid substitution, which may impact secondary protein structure as these residues differ in some properties. This substitution occurs at a position that is conserved across species, and in silico analysis predicts this variant is probably damaging to the protein structure/function. However, no missense variants in nearby residues have been reported in the Human Gene Mutation Database (Stenson et al., 2014).